The following is an entry in ClinVar:

ClinVar aggregate classification (germline): Pathogenic (1 of 4 stars; one submission).

Submission:

Quest Diagnostics Nichols Institute San Juan Capistrano
Classification: Pathogenic. Last evaluated: 2025-01-06. Review status: criteria provided, single submitter. Criteria: ACMG/ClinGen CNV Guidelines, 2019. Collection method: clinical testing. Allele origin: unknown.
Comment: This deletion involves genes MITF (OMIM 156845), FOXP1 (OMIM 605515), and ROBO1 (OMIM 602430). Haploinsufficiency of MITF is associated with autosomal dominant Waardenburg syndrome type 2A (WS2A; CCID:007464; OMIM 193510; Pingault 2010). Haploinsufficiency of FOXP1 is associated with autosomal dominant intellectual developmental disorder with language impairment and with or without autistic features (IDDLA; CCID:00716; OMIM 613670; Braden 2021). Further, FOXP1 loss-of-function variants have also been reported in individuals with other variable phenotypes (Pendleton 2023), and ROBO1 loss-of-function variants have been reported in individuals with isolated pituitary hormone deficiency-8 (CPHD8; OMIM 620303; Bashamboo 2017, Misgar 2024, Scala 2019). There are no similar copy number losses of this region in the general populations of the Database of Genomic Variants. Thus, this copy number variant (CNV) is classified as pathogenic. References: Bashamboo et al., J Clin Endocrinol Metab. 2017 Jul 1;102(7):2401-2406. PMID: 28402530 Bekheirnia et al., Genet Med. 2017 Apr;19(4):412-420. PMID: 27657687 Braden et al., Dev Med Child Neurol. 2021 Dec;63(12):1417-1426. PMID: 34109629 Brauner et al., PLoS One. 2020 Dec 3;15(12):e0242358. PMID: 33270637 Misgar et al., J Pediatr Endocrinol Metab. 2024 Mar 7;37(5):477-481. PMID: 38444307 Pendleton et al., J Pediatr Genet. 2023 Mar 28;13(1):29-34. PMID: 38567173 Pingault et al., Hum Mutat. 2010 Apr;31(4):391-406. PMID: 20127975 Scala et al., J Pediatr Endocrinol Metab. 2019 Jan 28;32(1):95-99. PMID: 30530901

GRCh37/hg19 3p14.1-12.2(chr3:67967190-80941234)x1

Genes: ARL6IP5 (ARF like GTPase 6 interacting protein 5; plus strand), CNTN3 (contactin 3; minus strand), EBLN2 (endogenous Bornavirus like nucleoprotein 2; plus strand), EIF4E3 (eukaryotic translation initiation factor 4E family member 3; minus strand), EOGT (EGF domain specific O-linked N-acetylglucosamine transferase; minus strand) and 20 more. Cytogenetic location: 3p14.1-12.2.
Variant type: copy number loss.
Change: copy number 1 (one copy instead of two) of chr3:67,967,190-80,941,234 (12.97 Mb, GRCh37 coordinates, 1-based), cytogenetic band 3p14.1-12.2.
Identifiers: ClinVar variation 4682578 (VCV004682578.1).